The following is an entry in ClinVar:

NM_001957.4(EDNRA):c.350C>T (p.Ala117Val)

Gene: EDNRA (endothelin receptor type A; plus strand). Cytogenetic location: 4q31.22.
Variant type: single nucleotide variant.
Coding change: c.350C>T on transcript NM_001957.4 (MANE Select); coding-DNA position 350, C replaced by T.
Protein change: p.Ala117Val; replaces alanine 117 with valine.
Molecular consequence: missense variant. On other transcripts: non-coding transcript variant (1).
Genome position (GRCh38, 1-based): chr4:147,486,031, C>T. VCF-style: chr4-147486031-C-T. GRCh37 (hg19) VCF-style: chr4-148407183-C-T.
Other names: c.350C>T, p.Ala117Val (NM_001354797.2, NM_001166055.2); short protein forms A117V.
Identifiers: ClinVar variation 2070038 (VCV002070038.4), dbSNP rs146147419, ClinGen allele CA3097862.
Genomic context (GRCh38, chr4:147,486,031, plus strand): 5'-GGAATGCAACTCTGCTCAGGATCATTTACCAGAACAAATGTATGAGGAATGGCCCCAACG[C>T]GCTGATAGCCAGTCTTGCCCTTGGAGACCTTATCTATGTGGTCATTGATCTCCCTATCAA-3'
Protein context (NP_001948.1, residues 107-127): QNKCMRNGPN[Ala117Val]LIASLALGDL

ClinVar aggregate classification (germline): Uncertain significance (1 of 4 stars; one submission).

Allele frequency attached by ClinVar (database versions not stated): ESP Exome Variant Server 0.00008; TOPMed 0.00004; gnomAD exomes 0.00001; ExAC 0.00003; gnomAD 0.00003.
gnomAD v4.1: 31 of 1,614,118 alleles (0.0019%); highest among the groups gnomAD compares: Middle Eastern, 0.016%; no homozygotes.

Submission:

Labcorp Genetics (formerly Invitae), Labcorp
Classification: Uncertain significance. Last evaluated: 2024-06-03. Review status: criteria provided, single submitter. Criteria: Invitae Variant Classification Sherloc (09022015). Collection method: clinical testing. Allele origin: germline.
Comment: This sequence change replaces alanine, which is neutral and non-polar, with valine, which is neutral and non-polar, at codon 117 of the EDNRA protein (p.Ala117Val). This variant is present in population databases (rs146147419, gnomAD 0.004%). This variant has not been reported in the literature in individuals affected with EDNRA-related conditions. ClinVar contains an entry for this variant (Variation ID: 2070038). Advanced modeling of protein sequence and biophysical properties (such as structural, functional, and spatial information, amino acid conservation, physicochemical variation, residue mobility, and thermodynamic stability) performed at Invitae indicates that this missense variant is not expected to disrupt EDNRA protein function with a negative predictive value of 80%. In summary, the available evidence is currently insufficient to determine the role of this variant in disease. Therefore, it has been classified as a Variant of Uncertain Significance.